The following is an entry in ClinVar:

NM_020911.2(PLXNA4):c.1309G>A (p.Ala437Thr)

Gene: PLXNA4 (plexin A4; minus strand). Cytogenetic location: 7q32.3.
Variant type: single nucleotide variant.
Coding change: c.1309G>A on transcript NM_020911.2 (MANE Select); coding-DNA position 1309, G replaced by A.
Protein change: p.Ala437Thr; replaces alanine 437 with threonine.
Molecular consequence: missense variant.
Genome position (GRCh38, 1-based): chr7:132,489,354, C>T on the plus strand (G>A on the coding strand, the complement: PLXNA4 is on the minus strand). VCF-style: chr7-132489354-C-T. GRCh37 (hg19) VCF-style: chr7-132174113-C-T.
Other names: c.1309G>A, p.Ala437Thr (NM_001105543.2, NM_001393897.1, NM_181775.4); short protein forms A437T.
Identifiers: ClinVar variation 3029367 (VCV003029367.2), dbSNP rs531099216, ClinGen allele CA4490310.
Genomic context (GRCh38, chr7:132,489,354, plus strand): 5'-TCTTCAGCTTGCCACTTTTGGTGCCCACAAAGGCCAGAGAGTGGTTCTTGTAGACATATG[C>T]GATGACAGACGTCATGCGGTCCCTGTCCTCCGTGAAGACGGGAATTCCACGCACCATGTC-3'
Protein context (NP_065962.1, residues 427-447): EDRDRMTSVI[Ala437Thr]YVYKNHSLAF

ClinVar aggregate classification (germline): Uncertain significance (0 of 4 stars; one submission).

Conditions:
PLXNA4-related disorder. Also called: PLXNA4-related condition.

Allele frequency attached by ClinVar (database versions not stated): ExAC 0.00002; gnomAD 0.00003; TOPMed 0.00005; 1000 Genomes Project 30x 0.00016; 1000 Genomes Project 0.00020.
gnomAD v4.1: 18 of 1,605,798 alleles (0.0011%); highest among the groups gnomAD compares: Admixed American, 0.0067%; no homozygotes.

Submission:

PreventionGenetics, part of Exact Sciences
Classification: Uncertain significance for PLXNA4-related condition. Last evaluated: 2024-03-13. Review status: no assertion criteria provided. Collection method: clinical testing. Allele origin: germline.
Comment: The PLXNA4 c.1309G>A variant is predicted to result in the amino acid substitution p.Ala437Thr. To our knowledge, this variant has not been reported in the literature. This variant is reported in 0.011% of alleles in individuals of Latino descent in gnomAD. At this time, the clinical significance of this variant is uncertain due to the absence of conclusive functional and genetic evidence.